The following is an entry in ClinVar:

NM_198578.4(LRRK2):c.977A>G (p.Asn326Ser)

Gene: LRRK2 (leucine rich repeat kinase 2; plus strand). Cytogenetic location: 12q12.
Variant type: single nucleotide variant.
Coding change: c.977A>G on transcript NM_198578.4 (MANE Select); coding-DNA position 977, A replaced by G.
Protein change: p.Asn326Ser; replaces asparagine 326 with serine.
Molecular consequence: missense variant.
Genome position (GRCh38, 1-based): chr12:40,251,250, A>G. VCF-style: chr12-40251250-A-G. GRCh37 (hg19) VCF-style: chr12-40645052-A-G.
Other names: short protein forms N326S.
Identifiers: ClinVar variation 1768158 (VCV001768158.2), dbSNP rs2499502460, ClinGen allele CA384407720.
Genomic context (GRCh38, chr12:40,251,250, plus strand): 5'-AATATATATAATGTTTTTATATATTTTTCAATTTTTTTCAAGCTGAGACTATTTTCTTAA[A>G]TCAAGATTTAGAGGAAAAGAATGAGAATCAAGAGAATGATGATGAGGGGGAAGAAGATAA-3'
Protein context (NP_940980.4, residues 316-336): LALLTETIFL[Asn326Ser]QDLEEKNENQ

ClinVar aggregate classification (germline): Uncertain significance (1 of 4 stars; one submission).

Conditions:
Inborn genetic diseases. Identifiers: MedGen C0950123, MeSH D030342.

Allele frequency attached by ClinVar (database versions not stated): gnomAD exomes 0.00001.
gnomAD v4.1: 7 of 1,598,600 alleles (0.00044%); highest among the groups gnomAD compares: South Asian, 0.0034%; no homozygotes.

Submission:

Ambry Genetics
Classification: Uncertain significance for Inborn genetic diseases. Last evaluated: 2024-02-26. Review status: criteria provided, single submitter. Criteria: Ambry Variant Classification Scheme 2023. Collection method: clinical testing. Allele origin: germline.
Comment: The p.N326S variant (also known as c.977A>G), located in coding exon 9 of the LRRK2 gene, results from an A to G substitution at nucleotide position 977. The asparagine at codon 326 is replaced by serine, an amino acid with highly similar properties. This amino acid position is conserved. In addition, this alteration is predicted to be tolerated by in silico analysis. Since supporting evidence is limited at this time, the clinical significance of this alteration remains unclear.